The following is an entry in ClinVar:

ClinVar aggregate classification (germline): Conflicting classifications of pathogenicity. Review status: criteria provided, conflicting classifications (1 of 4 stars). 3 submissions from 3 submitters: Uncertain significance (2); Likely benign (1). Last evaluated 2026-09-04.

Conditions:
Autosomal recessive ataxia, Beauce type. Also called: Spinocerebellar ataxia, autosomal recessive 8; SYNE1 Deficiency; SYNE1-Related Autosomal Recessive Cerebellar Ataxia; ATAXIA, RECESSIVE, OF BEAUCE. Identifiers: Orphanet 88644, MedGen C1853116, MONDO:0012549, OMIM 610743.
Emery-Dreifuss muscular dystrophy 4, autosomal dominant (EDMD4). Also called: EMERY-DREIFUSS MUSCULAR DYSTROPHY 4 WITH VARIABLE FEATURES. Identifiers: Orphanet 261, MedGen C2751807, MONDO:0013071, OMIM 612998.

Allele frequency attached by ClinVar (database versions not stated): ExAC 0.00006; gnomAD 0.00006 and 0.00007; TOPMed 0.00011; 1000 Genomes Project 0.00040; 1000 Genomes Project 30x 0.00047; gnomAD exomes 0.00005; ESP Exome Variant Server 0.00015.
gnomAD v4.1: 54 of 1,614,080 alleles (0.0033%); highest among the groups gnomAD compares: Admixed American, 0.017%; no homozygotes.

Submissions (3):

GeneDx
Classification: Uncertain significance. Last evaluated: 2026-09-04. Review status: criteria provided, single submitter. Criteria: GeneDx Variant Classification Process June 2021. Collection method: clinical testing. Allele origin: germline.
Comment: Has not been previously published as pathogenic or benign to our knowledge; In silico analysis suggests this variant may impact gene splicing. In the absence of RNA/functional studies, the actual effect of this sequence change is unknown.

Labcorp Genetics (formerly Invitae), Labcorp
Classification: Uncertain significance for Emery-Dreifuss muscular dystrophy 4, autosomal dominant; Autosomal recessive ataxia, Beauce type. Last evaluated: 2024-10-19. Review status: criteria provided, single submitter. Criteria: Invitae Variant Classification Sherloc (09022015). Collection method: clinical testing. Allele origin: germline.
Comment: This sequence change affects codon 229 of the SYNE1 mRNA. It is a 'silent' change, meaning that it does not change the encoded amino acid sequence of the SYNE1 protein. This variant is present in population databases (rs141368652, gnomAD 0.02%). This variant has not been reported in the literature in individuals affected with SYNE1-related conditions. ClinVar contains an entry for this variant (Variation ID: 382695). Algorithms developed to predict the effect of sequence changes on RNA splicing suggest that this variant may create or strengthen a splice site. In summary, the available evidence is currently insufficient to determine the role of this variant in disease. Therefore, it has been classified as a Variant of Uncertain Significance.

ARUP Laboratories, Molecular Genetics and Genomics, ARUP Laboratories
Classification: Likely benign. Last evaluated: 2018-04-11. Review status: criteria provided, single submitter. Criteria: ARUP Molecular Germline Variant Investigation Process. Collection method: clinical testing. Allele origin: germline.
Comment: The c.687G>A; p.Pro229Pro variant (rs141368652, ClinVar variant ID 382695) does not alter the amino acid sequence of the SYNE1 protein and computational splice site prediction algorithms do not predict a change in the nearest splice site or creation of a cryptic splice site. This variant has not been reported in association with cardiac disease in medical literature or in gene specific variation databases. This variant is listed in the genome Aggregation Database (gnomAD) with an East Asian population frequency of 0.02% (identified on 4 out of 18,848 chromosomes). Based on the available information, the c.687G>A variant is likely to be benign.

NM_182961.4(SYNE1):c.666G>A (p.Pro222=)

Gene: SYNE1 (spectrin repeat containing nuclear envelope protein 1; minus strand). Cytogenetic location: 6q25.2.
Variant type: single nucleotide variant.
Coding change: c.666G>A on transcript NM_182961.4 (MANE Select); coding-DNA position 666, G replaced by A.
Protein change: p.Pro222=; no amino-acid change (proline 222 retained).
Molecular consequence: synonymous variant.
Genome position (GRCh38, 1-based): chr6:152,505,313, C>T on the plus strand (G>A on the coding strand, the complement: SYNE1 is on the minus strand). VCF-style: chr6-152505313-C-T. GRCh37 (hg19) VCF-style: chr6-152826448-C-T.
Other names: c.687G>A, p.Pro229= (NM_033071.5).
Identifiers: ClinVar variation 382695 (VCV000382695.12), dbSNP rs141368652, ClinGen allele CA4059657.